The following is an entry in ClinVar:

ClinVar aggregate classification (germline): Uncertain significance (1 of 4 stars; one submission).

Conditions:
Cardiomyopathy (CMYO). Also called: Cardiomyopathies. Identifiers: Orphanet 167848, MedGen C0878544, MONDO:0004994, HP:0001638. Inheritance: Various modes of inheritance.

Submission:

Color Diagnostics, LLC DBA Color Health
Classification: Uncertain significance for Cardiomyopathy. Last evaluated: 2025-11-17. Review status: criteria provided, single submitter. Criteria: ACMG Guidelines, 2015. Collection method: clinical testing. Allele origin: germline.
Comment: This missense variant replaces isoleucine with valine at codon 219 of the TMEM43 protein. Computational prediction suggests that this variant may not impact protein structure and function. To our knowledge, functional studies have not been reported for this variant. This variant has not been reported in individuals affected with TMEM43-related disorders in the literature. This variant has been identified in 1/1614184 chromosomes in the general population by the Genome Aggregation Database (gnomAD). The available evidence is insufficient to determine the role of this variant in disease conclusively. Therefore, this variant is classified as a Variant of Uncertain Significance.

NM_024334.3(TMEM43):c.655A>G (p.Ile219Val)

Gene: TMEM43 (transmembrane protein 43; plus strand). Cytogenetic location: 3p25.1.
Variant type: single nucleotide variant.
Coding change: c.655A>G on transcript NM_024334.3 (MANE Select); coding-DNA position 655, A replaced by G.
Protein change: p.Ile219Val; replaces isoleucine 219 with valine.
Molecular consequence: missense variant.
Genome position (GRCh38, 1-based): chr3:14,134,841, A>G. VCF-style: chr3-14134841-A-G. GRCh37 (hg19) VCF-style: chr3-14176341-A-G.
Other names: c.658A>G, p.Ile220Val (NM_001407274.1); c.655A>G, p.Ile219Val (NM_001407275.1, NM_001407276.1, NM_001407277.1 and 1 more transcripts); c.640A>G, p.Ile214Val (NM_001407278.1); c.505A>G, p.Ile169Val (NM_001407280.1); short protein forms I169V, I214V, I219V, I220V.
Identifiers: ClinVar variation 4758663 (VCV004758663.1).
Genomic context (GRCh38, chr3:14,134,841, plus strand): 5'-AAAGTCGACAACTTCAAGTCCCTGAGCCTATCCAAGCTGGAGGACCCTCATGTGGACATC[A>G]TTCGCCGTGGAGACTTTTTCTACCACAGCGAAAATCCCAAGTATCCAGAGGTGTGCGGAG-3'
Protein context (NP_077310.1, residues 209-229): SKLEDPHVDI[Ile219Val]RRGDFFYHSE